The following is an entry in ClinVar:

NM_001286.5(CLCN6):c.708-3C>T

Gene: CLCN6 (chloride voltage-gated channel 6; plus strand). Cytogenetic location: 1p36.22.
Variant type: single nucleotide variant.
Coding change: c.708-3C>T on transcript NM_001286.5 (MANE Select); 3 bases into the intron before coding-DNA position 708, C replaced by T.
Molecular consequence: intron variant.
Genome position (GRCh38, 1-based): chr1:11,827,086, C>T. VCF-style: chr1-11827086-C-T. GRCh37 (hg19) VCF-style: chr1-11887143-C-T.
Other names: c.642-3C>T (NM_001256959.2).
Identifiers: ClinVar variation 4731058 (VCV004731058.1).
Genomic context (GRCh38, chr1:11,827,086, plus strand): 5'-AGAAACCACCTTTTGGGGGCTGGGGGCTCTTTATTGGATAACCCGTCTCTCTCCTCTCCT[C>T]AGAGACAAGAGAGACTTTGTATCAGCAGGAGCGGCTGCTGGAGTTGCTGCAGCTTTCGGG-3'

ClinVar aggregate classification (germline): Uncertain significance (1 of 4 stars; one submission).

Submission:

Labcorp Genetics (formerly Invitae), Labcorp
Classification: Uncertain significance. Last evaluated: 2025-11-12. Review status: criteria provided, single submitter. Criteria: Invitae Variant Classification Sherloc (09022015). Collection method: clinical testing. Allele origin: germline.
Comment: This sequence change falls in intron 9 of the CLCN6 gene. It does not directly change the encoded amino acid sequence of the CLCN6 protein. It affects a nucleotide within the consensus splice site. This variant is not present in population databases (gnomAD no frequency). This variant has not been reported in the literature in individuals affected with CLCN6-related conditions. Variants that disrupt the consensus splice site are a relatively common cause of aberrant splicing (PMID: 17576681, 9536098). Algorithms developed to predict the effect of sequence changes on RNA splicing suggest that this variant is not likely to affect RNA splicing. In summary, the available evidence is currently insufficient to determine the role of this variant in disease. Therefore, it has been classified as a Variant of Uncertain Significance.

Literature cited by the submitters: PubMed 17576681; PubMed 9536098.